The following is an entry in ClinVar:

NM_000553.6(WRN):c.2921G>T (p.Gly974Val)

Gene: WRN (WRN RecQ like helicase; plus strand). Cytogenetic location: 8p12.
Variant type: single nucleotide variant.
Coding change: c.2921G>T on transcript NM_000553.6 (MANE Select); coding-DNA position 2921, G replaced by T.
Protein change: p.Gly974Val; replaces glycine 974 with valine.
Molecular consequence: missense variant.
Genome position (GRCh38, 1-based): chr8:31,132,460, G>T. VCF-style: chr8-31132460-G-T. GRCh37 (hg19) VCF-style: chr8-30989976-G-T.
Other names: short protein forms G974V.
Identifiers: ClinVar variation 2832389 (VCV002832389.3), dbSNP rs2536012430, ClinGen allele CA370919135.

ClinVar aggregate classification (germline): Uncertain significance (1 of 4 stars; one submission).

Conditions:
Werner syndrome (WRN). Identifiers: Orphanet 902, MedGen C0043119, MONDO:0010196, OMIM 277700.

Submission:

Labcorp Genetics (formerly Invitae), Labcorp
Classification: Uncertain significance for Werner syndrome. Last evaluated: 2023-01-28. Review status: criteria provided, single submitter. Criteria: Invitae Variant Classification Sherloc (09022015). Collection method: clinical testing. Allele origin: germline.
Comment: In summary, the available evidence is currently insufficient to determine the role of this variant in disease. Therefore, it has been classified as a Variant of Uncertain Significance. An algorithm developed to predict the effect of missense changes on protein structure and function (PolyPhen-2) suggests that this variant is likely to be disruptive. This variant has not been reported in the literature in individuals affected with WRN-related conditions. This variant is not present in population databases (gnomAD no frequency). This sequence change replaces glycine, which is neutral and non-polar, with valine, which is neutral and non-polar, at codon 974 of the WRN protein (p.Gly974Val).